The following is an entry in ClinVar:

NM_012431.3(SEMA3E):c.249G>T (p.Leu83Phe)

Gene: SEMA3E (semaphorin 3E; minus strand). Cytogenetic location: 7q21.11.
Variant type: single nucleotide variant.
Coding change: c.249G>T on transcript NM_012431.3 (MANE Select); coding-DNA position 249, G replaced by T.
Protein change: p.Leu83Phe; replaces leucine 83 with phenylalanine.
Molecular consequence: missense variant.
Genome position (GRCh38, 1-based): chr7:83,490,141, C>A on the plus strand (G>T on the coding strand, the complement: SEMA3E is on the minus strand). VCF-style: chr7-83490141-C-A. GRCh37 (hg19) VCF-style: chr7-83119457-C-A.
Other names: c.69G>T, p.Leu23Phe (NM_001178129.2); short protein forms L83F, L23F.
Identifiers: ClinVar variation 1510843 (VCV001510843.8), dbSNP rs2115976438, ClinGen allele CA367937317.

ClinVar aggregate classification (germline): Uncertain significance (1 of 4 stars; one submission).

Conditions:
CHARGE syndrome (CHARGE). Also called: Coloboma, heart anomaly, choanal atresia, retardation, genital and ear anomalies; CHARGE association; Hall-Hittner syndrome; Hittner Hirsch Kreh syndrome; CHARGE ASSOCIATION--COLOBOMA, HEART ANOMALY, CHOANAL ATRESIA, RETARDATION, GENITAL AND EAR ANOMALIES. Identifiers: Orphanet 138, MedGen C0265354, MONDO:0008965.

Submission:

Labcorp Genetics (formerly Invitae), Labcorp
Classification: Uncertain significance for CHARGE syndrome. Last evaluated: 2022-07-05. Review status: criteria provided, single submitter. Criteria: Invitae Variant Classification Sherloc (09022015). Collection method: clinical testing. Allele origin: germline.
Comment: ClinVar contains an entry for this variant (Variation ID: 1510843). This variant has not been reported in the literature in individuals affected with SEMA3E-related conditions. This variant is not present in population databases (gnomAD no frequency). This sequence change replaces leucine, which is neutral and non-polar, with phenylalanine, which is neutral and non-polar, at codon 83 of the SEMA3E protein (p.Leu83Phe). Algorithms developed to predict the effect of missense changes on protein structure and function are either unavailable or do not agree on the potential impact of this missense change (SIFT: "Deleterious"; PolyPhen-2: "Probably Damaging"; Align-GVGD: "Class C0"). In summary, the available evidence is currently insufficient to determine the role of this variant in disease. Therefore, it has been classified as a Variant of Uncertain Significance.